The following is an entry in ClinVar:

NM_004446.3(EPRS1):c.4015A>T (p.Ile1339Phe)

Gene: EPRS1 (glutamyl-prolyl-tRNA synthetase 1; minus strand). Cytogenetic location: 1q41.
Variant type: single nucleotide variant.
Coding change: c.4015A>T on transcript NM_004446.3 (MANE Select); coding-DNA position 4015, A replaced by T.
Protein change: p.Ile1339Phe; replaces isoleucine 1339 with phenylalanine.
Molecular consequence: missense variant.
Genome position (GRCh38, 1-based): chr1:219,978,614, T>A on the plus strand (A>T on the coding strand, the complement: EPRS1 is on the minus strand). VCF-style: chr1-219978614-T-A. GRCh37 (hg19) VCF-style: chr1-220151956-T-A.
Other names: short protein forms I1339F.
Identifiers: ClinVar variation 2570752 (VCV002570752.27), dbSNP rs2527959517, ClinGen allele CA344630060.

ClinVar aggregate classification (germline): Uncertain significance (1 of 4 stars; one submission).

Submission:

CeGaT Center for Human Genetics Tuebingen
Classification: Uncertain significance. Last evaluated: 2023-05-01. Review status: criteria provided, single submitter. Criteria: CeGaT Center For Human Genetics Tuebingen Variant Classification Criteria Version 2. Collection method: clinical testing. Allele origin: germline. Affected: yes. Observed: 1 variant allele.
Comment: EPRS1: PM2, BP4